The following is an entry in ClinVar:

NM_002317.7(LOX):c.1006A>T (p.Arg336Trp)

Genes: LOX (lysyl oxidase; minus strand), SRFBP1 (serum response factor binding protein 1; plus strand). Cytogenetic location: 5q23.1.
Variant type: single nucleotide variant.
Coding change: c.1006A>T on transcript NM_002317.7 (MANE Select); coding-DNA position 1006, A replaced by T.
Protein change: p.Arg336Trp; replaces arginine 336 with tryptophan.
Molecular consequence: missense variant.
Genome position (GRCh38, 1-based): chr5:122,074,042, T>A on the plus strand (A>T on the coding strand, the complement: LOX is on the minus strand). VCF-style: chr5-122074042-T-A. GRCh37 (hg19) VCF-style: chr5-121409737-T-A.
Other names: c.316A>T, p.Arg106Trp (NM_001178102.2); c.115A>T, p.Arg39Trp (NM_001317073.1); short protein forms R39W, R106W, R336W.
Identifiers: ClinVar variation 4710013 (VCV004710013.1).
Genomic context (GRCh38, chr5:122,074,042, plus strand): 5'-TGAGGTTCTGGATTTCAGGGTGCCAACATACCTGTGTGTGTGCAGTACATGCAAATCGCC[T>A]GTGGTAGCCATAGTCACAGGATGTGTCTTCAAGACAGAAACTTGCTTTGTGGCCTTCAGC-3'
Protein context (NP_002308.2, residues 326-346): EDTSCDYGYH[Arg336Trp]RFACTAHTQG

ClinVar aggregate classification (germline): Uncertain significance (1 of 4 stars; one submission).

Submission:

Labcorp Genetics (formerly Invitae), Labcorp
Classification: Uncertain significance. Last evaluated: 2025-05-30. Review status: criteria provided, single submitter. Criteria: Invitae Variant Classification Sherloc (09022015). Collection method: clinical testing. Allele origin: germline.
Comment: This sequence change replaces arginine, which is basic and polar, with tryptophan, which is neutral and slightly polar, at codon 336 of the LOX protein (p.Arg336Trp). This variant is not present in population databases (gnomAD no frequency). This variant has not been reported in the literature in individuals affected with LOX-related conditions. Invitae Evidence Modeling of protein sequence and biophysical properties (such as structural, functional, and spatial information, amino acid conservation, physicochemical variation, residue mobility, and thermodynamic stability) indicates that this missense variant is expected to disrupt LOX protein function with a positive predictive value of 95%. In summary, the available evidence is currently insufficient to determine the role of this variant in disease. Therefore, it has been classified as a Variant of Uncertain Significance.